The following is an entry in ClinVar:

ClinVar aggregate classification (germline): Likely benign (0 of 4 stars; one submission).

Conditions:
TDRD6-related disorder. Also called: TDRD6-related condition.

Allele frequency attached by ClinVar (database versions not stated): gnomAD exomes 0.00008; gnomAD 0.00018; ExAC 0.00026; TOPMed 0.00026; 1000 Genomes Project 30x 0.00047; 1000 Genomes Project 0.00060.

Submission:

PreventionGenetics, part of Exact Sciences
Classification: Likely benign for TDRD6-related condition. Last evaluated: 2022-03-18. Review status: no assertion criteria provided. Collection method: clinical testing. Allele origin: germline.
Comment: This variant is classified as likely benign based on ACMG/AMP sequence variant interpretation guidelines (Richards et al. 2015 PMID: 25741868, with internal and published modifications).

NM_001010870.3(TDRD6):c.1592A>G (p.Asp531Gly)

Gene: TDRD6 (tudor domain containing 6; plus strand). Cytogenetic location: 6p12.3.
Variant type: single nucleotide variant.
Coding change: c.1592A>G on transcript NM_001010870.3 (MANE Select); coding-DNA position 1592, A replaced by G.
Protein change: p.Asp531Gly; replaces aspartic acid 531 with glycine.
Molecular consequence: missense variant.
Genome position (GRCh38, 1-based): chr6:46,689,720, A>G. VCF-style: chr6-46689720-A-G. GRCh37 (hg19) VCF-style: chr6-46657457-A-G.
Other names: c.1592A>G, p.Asp531Gly (NM_001168359.2); short protein forms D531G.
Identifiers: ClinVar variation 3053361 (VCV003053361.2), dbSNP rs189466175, ClinGen allele CA3838983.